The following is an entry in ClinVar:

NM_001277115.2(DNAH11):c.647C>T (p.Thr216Ile)

Gene: DNAH11 (dynein axonemal heavy chain 11; plus strand). Cytogenetic location: 7p15.3.
Variant type: single nucleotide variant.
Coding change: c.647C>T on transcript NM_001277115.2 (MANE Select); coding-DNA position 647, C replaced by T.
Protein change: p.Thr216Ile; replaces threonine 216 with isoleucine.
Molecular consequence: missense variant.
Genome position (GRCh38, 1-based): chr7:21,558,953, C>T. VCF-style: chr7-21558953-C-T. GRCh37 (hg19) VCF-style: chr7-21598571-C-T.
Other names: short protein forms T216I.
Identifiers: ClinVar variation 454698 (VCV000454698.10), dbSNP rs375238384, ClinGen allele CA4178730.

ClinVar aggregate classification (germline): Conflicting classifications of pathogenicity. Review status: criteria provided, conflicting classifications (1 of 4 stars). 2 submissions from 2 submitters: Uncertain significance (1); Benign (1). Last evaluated 2024-08-03.

Conditions:
Primary ciliary dyskinesia. Also called: Ciliary dyskinesia. Identifiers: Orphanet 244, MedGen C0008780, MONDO:0016575, HP:0012265.

Allele frequency attached by ClinVar (database versions not stated): gnomAD 0.00005 and 0.00006; TOPMed 0.00005; ExAC 0.00014; ESP Exome Variant Server 0.00017.
gnomAD v4.1: 27 of 1,593,500 alleles (0.0017%); highest among the groups gnomAD compares: African/African-American, 0.013%; no homozygotes.

Submissions (2):

Labcorp Genetics (formerly Invitae), Labcorp
Classification: Benign for Primary ciliary dyskinesia. Last evaluated: 2024-08-03. Review status: criteria provided, single submitter. Criteria: Invitae Variant Classification Sherloc (09022015). Collection method: clinical testing. Allele origin: germline.

Ambry Genetics
Classification: Uncertain significance for Primary ciliary dyskinesia. Last evaluated: 2024-03-16. Review status: criteria provided, single submitter. Criteria: Ambry Variant Classification Scheme 2023. Collection method: clinical testing. Allele origin: germline.
Comment: The p.T216I variant (also known as c.647C>T), located in coding exon 3 of the DNAH11 gene, results from a C to T substitution at nucleotide position 647. The threonine at codon 216 is replaced by isoleucine, an amino acid with similar properties. This amino acid position is conserved. In addition, this alteration is predicted to be tolerated by in silico analysis. Based on the available evidence, the clinical significance of this alteration remains unclear.